The following is an entry in ClinVar:

NM_000368.5(TSC1):c.*8T>C

Gene: TSC1 (TSC complex subunit 1; minus strand). Cytogenetic location: 9q34.13.
Variant type: single nucleotide variant.
Coding change: c.*8T>C on transcript NM_000368.5 (MANE Select); 8 bases downstream of the stop codon, T replaced by C.
Molecular consequence: 3 prime UTR variant. On other transcripts: non-coding transcript variant (5).
Genome position (GRCh38, 1-based): chr9:132,896,227, A>G on the plus strand (T>C on the coding strand, the complement: TSC1 is on the minus strand). VCF-style: chr9-132896227-A-G. GRCh37 (hg19) VCF-style: chr9-135771614-A-G.
Other names: c.*8T>C (NM_001162426.2, NM_001162427.2, NM_001362177.2 and 39 more transcripts).
Identifiers: ClinVar variation 4071163 (VCV004071163.1).

ClinVar aggregate classification (germline): Benign (1 of 4 stars; one submission).

Conditions:
Tuberous sclerosis 1 (TSC1). Identifiers: Orphanet 805, MedGen C1854465, MONDO:0008612, OMIM 191100.

Submission:

Myriad Genetics, Inc.
Classification: Benign for Tuberous sclerosis 1. Last evaluated: 2025-04-30. Review status: criteria provided, single submitter. Criteria: Myriad Autosomal Dominant, Autosomal Recessive and X-Linked Classification Criteria (2023). Collection method: clinical testing. Allele origin: unknown.
Comment: This variant is considered benign. This variant occurs in the non-coding 3' untranslated region of the gene, and is not expected to impact protein function.